The following is an entry in ClinVar:

NM_000062.3(SERPING1):c.468C>T (p.Ala156=)

Gene: SERPING1 (serpin family G member 1; plus strand). Cytogenetic location: 11q12.1.
Variant type: single nucleotide variant.
Coding change: c.468C>T on transcript NM_000062.3 (MANE Select); coding-DNA position 468, C replaced by T.
Protein change: p.Ala156=; no amino-acid change (alanine 156 retained).
Molecular consequence: synonymous variant.
Genome position (GRCh38, 1-based): chr11:57,600,295, C>T. VCF-style: chr11-57600295-C-T. GRCh37 (hg19) VCF-style: chr11-57367768-C-T.
Other names: c.468C>T, p.Ala156= (NM_001032295.2).
Identifiers: ClinVar variation 305024 (VCV000305024.41), dbSNP rs150601964, ClinGen allele CA6008043.
Genomic context (GRCh38, chr11:57,600,295, plus strand): 5'-TTCAACAGAGGCCGTGTTGGGGGATGCTTTGGTAGATTTCTCCCTGAAGCTCTACCACGC[C>T]TTCTCAGCAATGAAGAAGGTGGAGACCAACATGGCCTTTTCCCCATTCAGCATCGCCAGC-3'
Protein context (NP_000053.2, residues 146-166): LVDFSLKLYH[Ala156=]FSAMKKVETN

ClinVar aggregate classification (germline): Benign/Likely benign. Review status: criteria provided, multiple submitters, no conflicts (2 of 4 stars). 6 submissions from 6 submitters: Benign (2); Likely benign (4). Last evaluated 2026-01-24.

Conditions:
Inborn genetic diseases. Identifiers: MedGen C0950123, MeSH D030342.
Hereditary angioedema type 1 (HAE1). Identifiers: Orphanet 100050, Orphanet 100051, Orphanet 91378, MedGen C2717906, MONDO:0015053, OMIM 106100.

Allele frequency attached by ClinVar (database versions not stated): gnomAD 0.00138 and 0.00135; TOPMed 0.00139; ESP Exome Variant Server 0.00208; gnomAD exomes 0.00246 and 0.00101; 1000 Genomes Project 30x 0.00062; 1000 Genomes Project 0.00080; ExAC 0.00101.
gnomAD v4.1: 3,810 of 1,613,996 alleles (0.24%); highest among the groups gnomAD compares: Non-Finnish European, 0.3%; 11 homozygotes.

Submissions (6):

Labcorp Genetics (formerly Invitae), Labcorp
Classification: Benign. Last evaluated: 2026-01-24. Review status: criteria provided, single submitter. Criteria: Invitae Variant Classification Sherloc (09022015). Collection method: clinical testing. Allele origin: germline.

Women's Health and Genetics/Laboratory Corporation of America, LabCorp
Classification: Likely benign. Last evaluated: 2026-01-22. Review status: criteria provided, single submitter. Criteria: LabCorp Variant Classification Summary - May 2015. Collection method: clinical testing. Allele origin: germline.

CeGaT Center for Human Genetics Tuebingen
Classification: Likely benign. Last evaluated: 2024-03-01. Review status: criteria provided, single submitter. Criteria: CeGaT Center For Human Genetics Tuebingen Variant Classification Criteria Version 2. Collection method: clinical testing. Allele origin: germline. Affected: yes. Observed: 1 variant allele.
Comment: SERPING1: BP4, BP7, BS2

Ambry Genetics
Classification: Likely benign for Inborn genetic diseases. Last evaluated: 2022-04-04. Review status: criteria provided, single submitter. Criteria: Ambry Variant Classification Scheme 2023. Collection method: clinical testing. Allele origin: germline.

GeneDx
Classification: Likely benign. Last evaluated: 2020-03-03. Review status: criteria provided, single submitter. Criteria: GeneDx Variant Classification Process June 2021. Collection method: clinical testing. Allele origin: germline. Affected: yes.
Comment: This variant is associated with the following publications: (PMID: 31517426, 26751894)

Illumina Laboratory Services, Illumina
Classification: Benign for Hereditary angioedema type 1. Last evaluated: 2018-01-13. Review status: criteria provided, single submitter. Criteria: ICSL Variant Classification Criteria 13 December 2019. Collection method: clinical testing. Allele origin: germline.
Comment: This variant was observed in the ICSL laboratory as part of a predisposition screen in an ostensibly healthy population. It had not been previously curated by ICSL or reported in the Human Gene Mutation Database (HGMD: prior to June 1st, 2018), and was therefore a candidate for classification through an automated scoring system. Utilizing variant allele frequency, disease prevalence and penetrance estimates, and inheritance mode, an automated score was calculated to assess if this variant is too frequent to cause the disease. Based on the score and internal cut-off values, a variant classified as benign is not then subjected to further curation. The score for this variant resulted in a classification of benign for this disease.